The following is an entry in ClinVar:

ClinVar aggregate classification (germline): Uncertain significance (1 of 4 stars; one submission).

Conditions:
Intellectual developmental disorder, autosomal dominant 1. Also called: MBD5 Haploinsufficiency; Intellectual disability, autosomal dominant 1. Identifiers: Orphanet 228402, MedGen C1969562, MONDO:0007974, OMIM 156200.

Allele frequency attached by ClinVar (database versions not stated): gnomAD exomes below 0.00001.
gnomAD v4.1: 1 of 1,612,568 alleles (0.000062%); highest among the groups gnomAD compares: Admixed American, 0.0017%; no homozygotes.

Submission:

Labcorp Genetics (formerly Invitae), Labcorp
Classification: Uncertain significance for Intellectual developmental disorder, autosomal dominant 1. Last evaluated: 2025-03-06. Review status: criteria provided, single submitter. Criteria: Invitae Variant Classification Sherloc (09022015). Collection method: clinical testing. Allele origin: germline.
Comment: This sequence change falls in intron 8 of the MBD5 gene. It does not directly change the encoded amino acid sequence of the MBD5 protein. It affects a nucleotide within the consensus splice site. This variant is present in population databases (no rsID available, gnomAD 0.003%). This variant has not been reported in the literature in individuals affected with MBD5-related conditions. ClinVar contains an entry for this variant (Variation ID: 2892690). Variants that disrupt the consensus splice site are a relatively common cause of aberrant splicing (PMID: 17576681, 9536098). Algorithms developed to predict the effect of sequence changes on RNA splicing suggest that this variant is not likely to affect RNA splicing. In summary, the available evidence is currently insufficient to determine the role of this variant in disease. Therefore, it has been classified as a Variant of Uncertain Significance.

Literature cited by the submitters: PubMed 17576681; PubMed 9536098.

NM_001378120.1(MBD5):c.398-3C>T

Gene: MBD5 (methyl-CpG binding domain protein 5; plus strand). Cytogenetic location: 2q23.1.
Variant type: single nucleotide variant.
Coding change: c.398-3C>T on transcript NM_001378120.1 (MANE Select); 3 bases into the intron before coding-DNA position 398, C replaced by T.
Molecular consequence: intron variant.
Genome position (GRCh38, 1-based): chr2:148,468,338, C>T. VCF-style: chr2-148468338-C-T. GRCh37 (hg19) VCF-style: chr2-149225907-C-T.
Other names: c.398-3C>T (NM_018328.5).
Identifiers: ClinVar variation 2892690 (VCV002892690.3), dbSNP rs955125454, ClinGen allele CA57577005.